The following is an entry in ClinVar:

NM_003000.3(SDHB):c.341C>T (p.Thr114Ile)

Gene: SDHB (succinate dehydrogenase complex iron sulfur subunit B; minus strand). Cytogenetic location: 1p36.13.
Variant type: single nucleotide variant.
Coding change: c.341C>T on transcript NM_003000.3 (MANE Select); coding-DNA position 341, C replaced by T.
Protein change: p.Thr114Ile; replaces threonine 114 with isoleucine.
Molecular consequence: missense variant.
Genome position (GRCh38, 1-based): chr1:17,028,682, G>A on the plus strand (C>T on the coding strand, the complement: SDHB is on the minus strand). VCF-style: chr1-17028682-G-A. GRCh37 (hg19) VCF-style: chr1-17355177-G-A.
Other names: c.341C>T, p.Thr114Ile (NM_001407361.1); short protein forms T114I.
Identifiers: ClinVar variation 2134937 (VCV002134937.4), dbSNP rs2525020612, ClinGen allele CA338274733.
Genomic context (GRCh38, chr1:17,028,682, plus strand): 5'-TACATGTGTGGAAGAGGGTAGATTTTTGAGACCTTATTGAGGTTGGTGTCAATCCTTCGG[G>A]TGCAAGCTAGAGTGTTGCCTCCATTGATGTTCATTGCACAAGAGCCACAGATGCCTGAAA-3'
Protein context (NP_002991.2, residues 104-124): NINGGNTLAC[Thr114Ile]RRIDTNLNKV

ClinVar aggregate classification (germline): Uncertain significance (1 of 4 stars; one submission).

Conditions:
Pheochromocytoma. Also called: MAX-Related Hereditary Paraganglioma-Pheochromocytoma Syndrome. Identifiers: Orphanet 29072, MedGen C0031511, MONDO:0008233, OMIM 171300, HP:0002666.
Pheochromocytoma/paraganglioma syndrome 4. Also called: CAROTID BODY TUMORS AND MULTIPLE EXTRAADRENAL PHEOCHROMOCYTOMAS; SDHB-Related Hereditary Paraganglioma-Pheochromocytoma Syndrome (Paragangliomas 4); SDHB-Related Hereditary Paraganglioma-Pheochromocytoma Syndrome; PARAGANGLIOMA, FAMILIAL MALIGNANT; PARAGANGLIOMAS, HEREDITARY EXTRAADRENAL; PHEOCHROMOCYTOMA, FAMILIAL EXTRAADRENAL. Identifiers: Orphanet 29072, MedGen C1861848, MONDO:0007273, OMIM 115310.
Gastrointestinal stromal tumor. Also called: Gastrointestinal stroma tumor; Gastrointestinal stromal tumor, somatic. Identifiers: Orphanet 44890, MedGen C0238198, MeSH D046152, MONDO:0011719, OMIM 606764, HP:0100723.

Submission:

Labcorp Genetics (formerly Invitae), Labcorp
Classification: Uncertain significance for Gastrointestinal stromal tumor; Pheochromocytoma/paraganglioma syndrome 4; Pheochromocytoma. Last evaluated: 2022-05-07. Review status: criteria provided, single submitter. Criteria: Invitae Variant Classification Sherloc (09022015). Collection method: clinical testing. Allele origin: germline.
Comment: In summary, the available evidence is currently insufficient to determine the role of this variant in disease. Therefore, it has been classified as a Variant of Uncertain Significance. Advanced modeling of protein sequence and biophysical properties (such as structural, functional, and spatial information, amino acid conservation, physicochemical variation, residue mobility, and thermodynamic stability) performed at Invitae indicates that this missense variant is not expected to disrupt SDHB protein function. This variant has not been reported in the literature in individuals affected with SDHB-related conditions. This variant is not present in population databases (gnomAD no frequency). This sequence change replaces threonine, which is neutral and polar, with isoleucine, which is neutral and non-polar, at codon 114 of the SDHB protein (p.Thr114Ile).